The following is an entry in ClinVar:

NM_000179.3(MSH6):c.1065dup (p.Gly356fs)

Gene: MSH6 (mutS homolog 6; plus strand). Cytogenetic location: 2p16.3.
Variant type: Duplication.
Coding change: c.1065dup on transcript NM_000179.3 (MANE Select); coding-DNA position 1065, one base duplicated (T; older notation c.1065dupT).
Protein change: p.Gly356fs; shifts the reading frame from glycine 356.
Molecular consequence: frameshift variant. On other transcripts: non-coding transcript variant (4), intron variant (1).
Genome position (GRCh38, 1-based): chr2:47,799,048, T duplicated. VCF-style (leftmost placement, unchanged base first): chr2-47799047-G-GT. GRCh37 (hg19) VCF-style: chr2-48026186-G-GT.
Other names: c.675dup, p.Gly226fs (NM_001281492.2); c.159dup, p.Gly54fs (NM_001281493.2, NM_001281494.2, NM_001406811.1 and 6 more transcripts); c.1161dup, p.Gly388fs (NM_001406795.1, NM_001406802.1); c.1065dup, p.Gly356fs (NM_001406796.1, NM_001406798.1, NM_001406800.1 and 4 more transcripts); c.768dup, p.Gly257fs (NM_001406797.1, NM_001406801.1, NM_001406805.1 and 10 more transcripts); c.540dup, p.Gly181fs (NM_001406799.1, NM_001406806.1, NM_001406807.1); c.987dup, p.Gly330fs (NM_001406804.1); c.1071dup, p.Gly358fs (NM_001406813.1); and 2 more; short protein forms G181fs, G257fs, G330fs, G358fs, G226fs, G300fs, G356fs, G388fs.
Identifiers: ClinVar variation 2839107 (VCV002839107.3), dbSNP rs2530586929, ClinGen allele CA2739274440.

ClinVar aggregate classification (germline): Pathogenic (1 of 4 stars; one submission).

Conditions:
Hereditary nonpolyposis colorectal neoplasms. Identifiers: MedGen C0009405, MeSH D003123.

Submission:

Labcorp Genetics (formerly Invitae), Labcorp
Classification: Pathogenic for Hereditary nonpolyposis colorectal neoplasms. Last evaluated: 2023-02-20. Review status: criteria provided, single submitter. Criteria: Invitae Variant Classification Sherloc (09022015). Collection method: clinical testing. Allele origin: germline.
Comment: This sequence change creates a premature translational stop signal (p.Gly356Trpfs*2) in the MSH6 gene. It is expected to result in an absent or disrupted protein product. Loss-of-function variants in MSH6 are known to be pathogenic (PMID: 18269114, 24362816). For these reasons, this variant has been classified as Pathogenic. This variant has not been reported in the literature in individuals affected with MSH6-related conditions. This variant is not present in population databases (gnomAD no frequency).

Literature cited by the submitters: PubMed 18269114; PubMed 24362816.